The following is an entry in ClinVar:

NM_001093.4(ACACB):c.1624G>T (p.Ala542Ser)

Gene: ACACB (acetyl-CoA carboxylase beta; plus strand). Cytogenetic location: 12q24.11.
Variant type: single nucleotide variant.
Coding change: c.1624G>T on transcript NM_001093.4 (MANE Select); coding-DNA position 1624, G replaced by T.
Protein change: p.Ala542Ser; replaces alanine 542 with serine.
Molecular consequence: missense variant.
Genome position (GRCh38, 1-based): chr12:109,179,274, G>T. VCF-style: chr12-109179274-G-T. GRCh37 (hg19) VCF-style: chr12-109617079-G-T.
Other names: c.1624G>T, p.Ala542Ser (NM_001412734.1, NM_001412735.1); c.1018G>T, p.Ala340Ser (NM_001412736.1, NM_001412738.1, NM_001412739.1 and 2 more transcripts); c.997G>T, p.Ala333Ser (NM_001412737.1); short protein forms A333S, A340S, A542S.
Identifiers: ClinVar variation 4986502 (VCV004986502.1).
Genomic context (GRCh38, chr12:109,179,274, plus strand): 5'-TCCATCCAGCGGCGGCATCAGAAGATCGTTGAGGAAGCACCGGCCACCATCGCCCCGCTG[G>T]CCATATTCGAGTTCATGGAGCAGGTACACTTCTCAGAGCCCAGGGGGCAGCTTCAGAGAG-3'
Protein context (NP_001084.3, residues 532-552): EEAPATIAPL[Ala542Ser]IFEFMEQCAI

ClinVar aggregate classification (germline): Uncertain significance (1 of 4 stars; one submission).

Conditions:
ACACB-related disorder. Also called: ACACB-related condition.

gnomAD v4.1: 55 of 1,613,504 alleles (0.0034%); highest among the groups gnomAD compares: Non-Finnish European, 0.0044%; no homozygotes.

Submission:

PreventionGenetics, part of Exact Sciences
Classification: Uncertain significance for ACACB-related condition. Last evaluated: 2025-03-27. Review status: criteria provided, single submitter. Criteria: ACMG Guidelines, 2015. Collection method: clinical testing. Allele origin: germline.
Comment: The ACACB c.1624G>T variant is predicted to result in the amino acid substitution p.Ala542Ser. To our knowledge, this variant has not been reported in the literature. This variant is reported in 0.014% of alleles in individuals of European (Non-Finnish) descent in gnomAD, which may be too common to be causative. Although we suspect that this variant may be benign, at this time, the clinical significance of this variant is uncertain due to the absence of conclusive functional and genetic evidence.